The following is an entry in ClinVar:

NM_003235.5(TG):c.2443G>A (p.Gly815Arg)

Gene: TG (thyroglobulin; plus strand). Cytogenetic location: 8q24.22.
Variant type: single nucleotide variant.
Coding change: c.2443G>A on transcript NM_003235.5 (MANE Select); coding-DNA position 2443, G replaced by A.
Protein change: p.Gly815Arg; replaces glycine 815 with arginine.
Molecular consequence: missense variant.
Genome position (GRCh38, 1-based): chr8:132,888,250, G>A. VCF-style: chr8-132888250-G-A. GRCh37 (hg19) VCF-style: chr8-133900495-G-A.
Other names: short protein forms G815R.
Identifiers: ClinVar variation 361924 (VCV000361924.13), dbSNP rs16904774, ClinGen allele CA4883405.

ClinVar aggregate classification (germline): Benign/Likely benign. Review status: criteria provided, multiple submitters, no conflicts (2 of 4 stars). 6 submissions from 6 submitters: Benign (1); Likely benign (4). 1 of the submissions does not count toward it. Last evaluated 2026-05-11.

Conditions:
TG-related disorder. Also called: TG-related disorders; TG-related condition.
Iodotyrosyl coupling defect (TDH3). Also called: HYPOTHYROIDISM, CONGENITAL, DUE TO DYSHORMONOGENESIS, 3; THYROID HORMONOGENESIS, GENETIC DEFECT IN, 3. Identifiers: Orphanet 95716, MedGen C0342194, MONDO:0010135, OMIM 274700.

Allele frequency attached by ClinVar (database versions not stated): gnomAD exomes 0.02046; ExAC 0.02102; ESP Exome Variant Server 0.03199; TOPMed 0.03442; gnomAD 0.03573 and 0.03645; 1000 Genomes Project 30x 0.05059; 1000 Genomes Project 0.05152.
gnomAD v4.1: 17,478 of 1,614,128 alleles (1.1%); highest among the groups gnomAD compares: African/African-American, 9.1%; 571 homozygotes.

Submissions (6):

Women's Health and Genetics/Laboratory Corporation of America, LabCorp
Classification: Likely benign. Last evaluated: 2026-05-11. Review status: criteria provided, single submitter. Criteria: LabCorp Variant Classification Summary - May 2015. Collection method: clinical testing. Allele origin: germline.

Labcorp Genetics (formerly Invitae), Labcorp
Classification: Benign. Last evaluated: 2026-02-04. Review status: criteria provided, single submitter. Criteria: Invitae Variant Classification Sherloc (09022015). Collection method: clinical testing. Allele origin: germline.

Blueprint Genetics
Classification: Likely benign. Last evaluated: 2024-11-27. Review status: criteria provided, single submitter. Criteria: ACMG Guidelines, 2015. Collection method: clinical testing. Allele origin: germline.

Illumina Laboratory Services, Illumina
Classification: Likely benign for Iodotyrosyl coupling defect. Last evaluated: 2018-01-12. Review status: criteria provided, single submitter. Criteria: ICSL Variant Classification Criteria 13 December 2019. Collection method: clinical testing. Allele origin: germline.
Comment: This variant was observed in the ICSL laboratory as part of a predisposition screen in an ostensibly healthy population. It had not been previously curated by ICSL or reported in the Human Gene Mutation Database (HGMD: prior to June 1st, 2018), and was therefore a candidate for classification through an automated scoring system. Utilizing variant allele frequency, disease prevalence and penetrance estimates, and inheritance mode, an automated score was calculated to assess if this variant is too frequent to cause the disease. Based on the score and internal cut-off values, a variant classified as likely benign is not then subjected to further curation. The score for this variant resulted in a classification of likely benign for this disease.

Breakthrough Genomics
Classification: Likely benign. Review status: criteria provided, single submitter. Criteria: ACMG Guidelines, 2015. Collection method: not provided. Allele origin: germline. Inheritance: Autosomal recessive inheritance. Affected: yes.

PreventionGenetics, part of Exact Sciences
Classification: Benign for TG-related condition. Last evaluated: 2019-09-06. Review status: no assertion criteria provided. Collection method: clinical testing. Allele origin: germline. Not counted in ClinVar's aggregate classification.
Comment: This variant is classified as benign based on ACMG/AMP sequence variant interpretation guidelines (Richards et al. 2015 PMID: 25741868, with internal and published modifications).